The following is an entry in ClinVar:

ClinVar aggregate classification (germline): Uncertain significance (1 of 4 stars; one submission).

Conditions:
Cardiovascular phenotype. Identifiers: MedGen CN230736.

Submission:

Ambry Genetics
Classification: Uncertain significance for Cardiovascular phenotype. Last evaluated: 2025-12-07. Review status: criteria provided, single submitter. Criteria: Ambry Variant Classification Scheme 2023. Collection method: clinical testing. Allele origin: germline.
Comment: The p.G15R variant (also known as c.43G>C), located in coding exon 1 of the BAG3 gene, results from a G to C substitution at nucleotide position 43. The glycine at codon 15 is replaced by arginine, an amino acid with dissimilar properties. This amino acid position is conserved. In addition, this alteration is predicted to be tolerated by in silico analysis. Based on the available evidence, the clinical significance of this variant remains unclear.

NM_004281.4(BAG3):c.43G>C (p.Gly15Arg)

Gene: BAG3 (BAG cochaperone 3; plus strand). Cytogenetic location: 10q26.11.
Variant type: single nucleotide variant.
Coding change: c.43G>C on transcript NM_004281.4 (MANE Select); coding-DNA position 43, G replaced by C.
Protein change: p.Gly15Arg; replaces glycine 15 with arginine.
Molecular consequence: missense variant.
Genome position (GRCh38, 1-based): chr10:119,651,718, G>C. VCF-style: chr10-119651718-G-C. GRCh37 (hg19) VCF-style: chr10-121411230-G-C.
Other names: short protein forms G15R.
Identifiers: ClinVar variation 4613746 (VCV004613746.1).